The following is an entry in ClinVar:

ClinVar aggregate classification (germline): Uncertain significance (1 of 4 stars; one submission).

Allele frequency attached by ClinVar (database versions not stated): gnomAD 0.00001; gnomAD exomes below 0.00001.
gnomAD v4.1: 4 of 1,613,608 alleles (0.00025%); highest among the groups gnomAD compares: African/African-American, 0.0013%; no homozygotes.

Submission:

GeneDx
Classification: Uncertain significance. Last evaluated: 2017-01-23. Review status: criteria provided, single submitter. Criteria: GeneDx Variant Classification (06012015). Collection method: clinical testing. Allele origin: germline. Affected: yes.
Comment: A variant of uncertain significance has been identified in the SCN1A gene. The A1951V variant has not been published as a pathogenic variant, nor has it been reported as a benign variant to our knowledge. The A1951V variant is not observed in large population cohorts (Lek et al., 2016; 1000 Genomes Consortium et al., 2015; Exome Variant Server). However, the A1951V variant is a conservative amino acid substitution, which is not likely to impact secondary protein structure as these residues share similar properties. Additionally, this substitution alters a position that is not conserved and is predicted to be within the C-terminal cytoplasmic domain (Escayg et al., 2010). In silico analysis is inconsistent in its predictions as to whether or not the variant is damaging to the protein structure/function. Therefore, based on the currently available information, it is unclear whether this variant is a pathogenic variant or a rare benign variant.

NM_001165963.4(SCN1A):c.5852C>T (p.Ala1951Val)

Genes: SCN1A (sodium voltage-gated channel alpha subunit 1; minus strand), LOC102724058 (uncharacterized LOC102724058; plus strand). Cytogenetic location: 2q24.3.
Variant type: single nucleotide variant.
Coding change: c.5852C>T on transcript NM_001165963.4 (MANE Select); coding-DNA position 5852, C replaced by T.
Protein change: p.Ala1951Val; replaces alanine 1951 with valine.
Molecular consequence: missense variant. On other transcripts: non-coding transcript variant (1).
Genome position (GRCh38, 1-based): chr2:165,991,423, G>A on the plus strand (C>T on the coding strand, the complement: SCN1A is on the minus strand). VCF-style: chr2-165991423-G-A. GRCh37 (hg19) VCF-style: chr2-166847933-G-A.
Other names: c.5768C>T, p.Ala1923Val (NM_001165964.3, NM_001353957.2, NM_001353958.2); c.5852C>T, p.Ala1951Val (NM_001202435.3, NM_001353948.2); c.5819C>T, p.Ala1940Val (NM_001353949.2, NM_001353950.2, NM_001353951.2 and 2 more transcripts); c.5816C>T, p.Ala1939Val (NM_001353954.2, NM_001353955.2); c.5765C>T, p.Ala1922Val (NM_001353960.2); c.3410C>T, p.Ala1137Val (NM_001353961.2); short protein forms A1940V, A1951V, A1922V, A1923V, A1137V, A1939V.
Identifiers: ClinVar variation 393163 (VCV000393163.2), dbSNP rs1057524816, ClinGen allele CA16603828.